The following is an entry in ClinVar:

ClinVar aggregate classification (germline): Likely pathogenic (1 of 4 stars; one submission).

Conditions:
Dilated cardiomyopathy 1G (CMD1G). Identifiers: Orphanet 154, MedGen C1858763, MONDO:0011400, OMIM 604145.
Autosomal recessive limb-girdle muscular dystrophy type 2J (LGMDR10). Also called: Limb-girdle muscular dystrophy, type 2J; MUSCULAR DYSTROPHY, LIMB-GIRDLE, AUTOSOMAL RECESSIVE 10. Identifiers: Orphanet 140922, MedGen C1837342, MONDO:0012127, OMIM 608807.

Submission:

Labcorp Genetics (formerly Invitae), Labcorp
Classification: Likely pathogenic for Dilated cardiomyopathy 1G; Autosomal recessive limb-girdle muscular dystrophy type 2J. Last evaluated: 2024-06-11. Review status: criteria provided, single submitter. Criteria: Invitae Variant Classification Sherloc (09022015). Collection method: clinical testing. Allele origin: germline.
Comment: This sequence change creates a premature translational stop signal (p.Ser28960Phefs*8) in the TTN gene. While this is not anticipated to result in nonsense mediated decay, it is expected to create a truncated TTN protein. This variant is not present in population databases (gnomAD no frequency). This variant has not been reported in the literature in individuals affected with TTN-related conditions. This variant is located in the A band of TTN (PMID: 25589632). Truncating variants in this region are significantly overrepresented in patients affected with dilated cardiomyopathy (PMID: 25589632). Truncating variants in this region have also been reported in individuals affected with autosomal recessive centronuclear myopathy (PMID: 23975875). In summary, the currently available evidence indicates that the variant is pathogenic, but additional data are needed to prove that conclusively. Therefore, this variant has been classified as Likely Pathogenic.

Literature cited by the submitters: PubMed 25589632; PubMed 23975875.

NM_001267550.2(TTN):c.86878dup (p.Ser28960fs)

Genes: TTN-AS1 (TTN antisense RNA 1; plus strand), TTN (titin; minus strand). Cytogenetic location: 2q31.2.
Variant type: Duplication.
Coding change: c.86878dup on transcript NM_001267550.2 (MANE Select); coding-DNA position 86878, one base duplicated (T; older notation c.86878dupT).
Protein change: p.Ser28960fs; shifts the reading frame from serine 28960.
Molecular consequence: frameshift variant.
Genome position (GRCh38, 1-based): chr2:178,558,581, A duplicated on the plus strand (T on the coding strand, the reverse complement: TTN is on the minus strand); the first of 3 consecutive A bases (chr2:178,558,581-178,558,583); duplicating any one gives the same sequence. VCF-style (leftmost placement, unchanged base first): chr2-178558580-G-GA. GRCh37 (hg19) VCF-style: chr2-179423307-G-GA.
Other names: c.81955dup, p.Ser27319fs (NM_001256850.1); c.59683dup, p.Ser19895fs (NM_003319.4); c.79174dup, p.Ser26392fs (NM_133378.4); c.60058dup, p.Ser20020fs (NM_133432.3); c.60259dup, p.Ser20087fs (NM_133437.4); short protein forms S19895fs, S20020fs, S20087fs, S26392fs, S27319fs, S28960fs.
Identifiers: ClinVar variation 3756713 (VCV003756713.2).